The following is an entry in ClinVar:

ClinVar aggregate classification (germline): Uncertain significance. Review status: criteria provided, multiple submitters, no conflicts (2 of 4 stars). 2 submissions from 2 submitters: Uncertain significance (2). Last evaluated 2023-10-22.

Conditions:
Hereditary cancer-predisposing syndrome. Also called: Tumor predisposition; Hereditary neoplastic syndrome; Hereditary Cancer Syndrome; Neoplastic Syndromes, Hereditary. Identifiers: Orphanet 140162, MedGen C0027672, MeSH D009386, MONDO:0015356.
Rhabdoid tumor predisposition syndrome 2 (RTPS2). Identifiers: Orphanet 231108, Orphanet 69077, MedGen C2750074, MONDO:0013224, OMIM 613325.

Submissions (2):

Labcorp Genetics (formerly Invitae), Labcorp
Classification: Uncertain significance for Rhabdoid tumor predisposition syndrome 2. Last evaluated: 2023-10-22. Review status: criteria provided, single submitter. Criteria: Invitae Variant Classification Sherloc (09022015). Collection method: clinical testing. Allele origin: germline.
Comment: This sequence change falls in intron 6 of the SMARCA4 gene. It does not directly change the encoded amino acid sequence of the SMARCA4 protein. It affects a nucleotide within the consensus splice site. This variant is not present in population databases (gnomAD no frequency). This variant has not been reported in the literature in individuals affected with SMARCA4-related conditions. ClinVar contains an entry for this variant (Variation ID: 577024). Variants that disrupt the consensus splice site are a relatively common cause of aberrant splicing (PMID: 17576681, 9536098). Algorithms developed to predict the effect of sequence changes on RNA splicing suggest that this variant is not likely to affect RNA splicing. In summary, the available evidence is currently insufficient to determine the role of this variant in disease. Therefore, it has been classified as a Variant of Uncertain Significance.

Ambry Genetics
Classification: Uncertain significance for Hereditary cancer-predisposing syndrome. Last evaluated: 2021-03-25. Review status: criteria provided, single submitter. Criteria: Ambry Variant Classification Scheme 2023. Collection method: clinical testing. Allele origin: germline.
Comment: The c.1118+3G>T intronic variant results from a G to T substitution 3 nucleotides after coding exon 5 in the SMARCA4 gene. This nucleotide position is not well conserved in available vertebrate species. In silico splice site analysis for this alteration is inconclusive. Since supporting evidence is limited at this time, the clinical significance of this alteration remains unclear.

Literature cited by the submitters: PubMed 17576681 (cited by Labcorp Genetics (formerly Invitae), Labcorp); PubMed 9536098 (cited by Labcorp Genetics (formerly Invitae), Labcorp).

NM_003072.5(SMARCA4):c.1118+3G>T

Gene: SMARCA4 (SWI/SNF related BAF chromatin remodeling complex subunit ATPase 4; plus strand). Cytogenetic location: 19p13.2.
Variant type: single nucleotide variant.
Coding change: c.1118+3G>T on transcript NM_003072.5 (MANE Select); 3 bases into the intron after coding-DNA position 1118, G replaced by T.
Molecular consequence: intron variant.
Genome position (GRCh38, 1-based): chr19:10,987,927, G>T. VCF-style: chr19-10987927-G-T. GRCh37 (hg19) VCF-style: chr19-11098603-G-T.
Other names: c.1118+3G>T (NM_001128844.3, NM_001128849.3, NM_001128847.4 and 5 more transcripts).
Identifiers: ClinVar variation 577024 (VCV000577024.9), dbSNP rs1568427837, ClinGen allele CA891843858.